The following is an entry in ClinVar:

NM_001110556.2(FLNA):c.2614G>T (p.Ala872Ser)

Gene: FLNA (filamin A; minus strand). Cytogenetic location: Xq28.
Variant type: single nucleotide variant.
Coding change: c.2614G>T on transcript NM_001110556.2 (MANE Select); coding-DNA position 2614, G replaced by T.
Protein change: p.Ala872Ser; replaces alanine 872 with serine.
Molecular consequence: missense variant.
Genome position (GRCh38, 1-based): chrX:154,362,284, C>A on the plus strand (G>T on the coding strand, the complement: FLNA is on the minus strand). VCF-style: chrX-154362284-C-A. GRCh37 (hg19) VCF-style: chrX-153590652-C-A.
Other names: c.2614G>T, p.Ala872Ser (NM_001456.4); short protein forms A872S.
Identifiers: ClinVar variation 2920981 (VCV002920981.1), dbSNP rs185503240, ClinGen allele CA415233532.

ClinVar aggregate classification (germline): Uncertain significance (1 of 4 stars; one submission).

Submission:

ARUP Laboratories, Molecular Genetics and Genomics, ARUP Laboratories
Classification: Uncertain significance. Last evaluated: 2023-03-21. Review status: criteria provided, single submitter. Criteria: ARUP Molecular Germline Variant Investigation Process 2024. Collection method: clinical testing. Allele origin: germline.
Comment: The FLNA c.2614G>T; p.Ala872Ser variant, to our knowledge, is not reported in the medical literature or gene specific databases. This variant is also absent from the Genome Aggregation Database, indicating it is not a common polymorphism. Computational analyses predict that this variant is deleterious (REVEL: 0.732). However, due to limited information, the clinical significance of this variant is uncertain at this time.